The following is an entry in ClinVar:

ClinVar aggregate classification (germline): Pathogenic/Likely pathogenic. Review status: criteria provided, multiple submitters, no conflicts (2 of 4 stars). 3 submissions from 3 submitters: Pathogenic (1); Likely pathogenic (2). Last evaluated 2024-03-25.

Conditions:
CAPN3-related disorder. Also called: CAPN3-related disorders; CAPN3-related condition. Identifiers: MedGen CN239245.
Autosomal recessive limb-girdle muscular dystrophy type 2A (LGMDR1). Also called: Limb-girdle muscular dystrophy, type 2A; Calpainopathy; Muscular dystrophy, limb-girdle, type 2A, Amish; LEYDEN-MOEBIUS MUSCULAR DYSTROPHY; MUSCULAR DYSTROPHY, PELVOFEMORAL. Identifiers: Orphanet 267, MedGen C1869123, MONDO:0009675, OMIM 253600. Disease mechanism: loss of function.

Allele frequency attached by ClinVar (database versions not stated): TOPMed below 0.00001.

Submissions (3):

Labcorp Genetics (formerly Invitae), Labcorp
Classification: Pathogenic for Autosomal recessive limb-girdle muscular dystrophy type 2A. Last evaluated: 2024-03-25. Review status: criteria provided, single submitter. Criteria: Invitae Variant Classification Sherloc (09022015). Collection method: clinical testing. Allele origin: germline.
Comment: This sequence change creates a premature translational stop signal (p.Gln646*) in the CAPN3 gene. It is expected to result in an absent or disrupted protein product. Loss-of-function variants in CAPN3 are known to be pathogenic (PMID: 10330340, 15689361). This variant is not present in population databases (gnomAD no frequency). This variant has not been reported in the literature in individuals affected with CAPN3-related conditions. Algorithms developed to predict the effect of sequence changes on RNA splicing suggest that this variant may disrupt the consensus splice site. For these reasons, this variant has been classified as Pathogenic.

3billion
Classification: Likely pathogenic for Autosomal recessive limb-girdle muscular dystrophy type 2A. Last evaluated: 2024-02-02. Review status: criteria provided, single submitter. Criteria: ACMG Guidelines, 2015. Collection method: clinical testing. Allele origin: germline. Affected: yes.
Comment: The variant is not observed in the gnomAD v2.1.1 dataset. Predicted Consequence/Location: Stop-gained (nonsense): predicted to result in a loss or disruption of normal protein function through nonsense-mediated decay (NMD) or protein truncation. Multiple pathogenic variants are reported downstream of the variant. Therefore, this variant is classified as Likely pathogenic according to the recommendation of ACMG/AMP guideline.

Blueprint Genetics
Classification: Likely pathogenic for CAPN3-related disorders. Last evaluated: 2023-10-27. Review status: criteria provided, single submitter. Criteria: ACMG Guidelines, 2015. Collection method: clinical testing. Allele origin: germline. Affected: yes. Observed: 1 variant allele.

Literature cited by the submitters: PubMed 10330340 (cited by Labcorp Genetics (formerly Invitae), Labcorp); PubMed 15689361 (cited by Labcorp Genetics (formerly Invitae), Labcorp).

NM_000070.3(CAPN3):c.1936C>T (p.Gln646Ter)

Gene: CAPN3 (calpain 3; plus strand). Cytogenetic location: 15q15.1.
Variant type: single nucleotide variant.
Coding change: c.1936C>T on transcript NM_000070.3 (MANE Select); coding-DNA position 1936, C replaced by T.
Protein change: p.Gln646Ter; replaces glutamine 646 with a stop codon.
Molecular consequence: nonsense. On other transcripts: 5 prime UTR variant (2).
Genome position (GRCh38, 1-based): chr15:42,409,324, C>T. VCF-style: chr15-42409324-C-T. GRCh37 (hg19) VCF-style: chr15-42701522-C-T.
Other names: c.1918C>T, p.Gln640Ter (NM_024344.2); c.1660C>T, p.Gln554Ter (NM_173087.2); c.400C>T, p.Gln134Ter (NM_173088.2); c.-60C>T (NM_173089.2, NM_173090.2); c.*1034C>T (NM_212464.2); c.*1611C>T (NM_212467.2); short protein forms Q134*, Q646*, Q640*, Q554*.
Identifiers: ClinVar variation 2761537 (VCV002761537.5), dbSNP rs2054129122, ClinGen allele CA392001173.